The following is an entry in ClinVar:

ClinVar aggregate classification (germline): Uncertain significance. Review status: criteria provided, multiple submitters, no conflicts (2 of 4 stars). 2 submissions from 2 submitters: Uncertain significance (2). Last evaluated 2021-10-29.

Conditions:
Thrombophilia due to protein C deficiency, autosomal dominant. Also called: PROC DEFICIENCY, AUTOSOMAL DOMINANT; PROTEIN C DEFICIENCY, AUTOSOMAL DOMINANT. Identifiers: Orphanet 745, MedGen C2674321, MONDO:0008316, OMIM 176860. Disease mechanism: loss of function.

Submissions (2):

Labcorp Genetics (formerly Invitae), Labcorp
Classification: Uncertain significance for Thrombophilia due to protein C deficiency, autosomal dominant. Last evaluated: 2021-10-29. Review status: criteria provided, single submitter. Criteria: Invitae Variant Classification Sherloc (09022015). Collection method: clinical testing. Allele origin: germline.
Comment: This variant is not present in population databases (gnomAD no frequency). In summary, the available evidence is currently insufficient to determine the role of this variant in disease. Therefore, it has been classified as a Variant of Uncertain Significance. Algorithms developed to predict the effect of sequence changes on RNA splicing suggest that this variant may disrupt the consensus splice site. Algorithms developed to predict the effect of missense changes on protein structure and function are either unavailable or do not agree on the potential impact of this missense change (SIFT: "Deleterious"; PolyPhen-2: "Probably Damaging"; Align-GVGD: "Class C0"). This variant has not been reported in the literature in individuals affected with PROC-related conditions. This sequence change replaces glutamine, which is neutral and polar, with arginine, which is basic and polar, at codon 226 of the PROC protein (p.Gln226Arg).

Blueprint Genetics
Classification: Uncertain significance. Last evaluated: 2021-09-29. Review status: criteria provided, single submitter. Criteria: ACMG Guidelines, 2015. Collection method: clinical testing. Allele origin: germline.

NM_000312.4(PROC):c.677A>G (p.Gln226Arg)

Gene: PROC (protein C, inactivator of coagulation factors Va and VIIIa; plus strand). Cytogenetic location: 2q14.3.
Variant type: single nucleotide variant.
Coding change: c.677A>G on transcript NM_000312.4 (MANE Select); coding-DNA position 677, A replaced by G.
Protein change: p.Gln226Arg; replaces glutamine 226 with arginine.
Molecular consequence: missense variant.
Genome position (GRCh38, 1-based): chr2:127,426,226, A>G. VCF-style: chr2-127426226-A-G. GRCh37 (hg19) VCF-style: chr2-128183802-A-G.
Other names: c.860A>G, p.Gln287Arg (NM_001375602.1); c.842A>G, p.Gln281Arg (NM_001375603.1); c.740A>G, p.Gln247Arg (NM_001375604.1); c.779A>G, p.Gln260Arg (NM_001375605.1); c.845A>G, p.Gln282Arg (NM_001375606.1); c.863A>G, p.Gln288Arg (NM_001375607.1); c.620A>G, p.Gln207Arg (NM_001375608.1); c.653A>G, p.Gln218Arg (NM_001375609.1); and 2 more; short protein forms Q224R, Q207R, Q226R, Q281R, Q282R, Q288R, Q218R, Q247R.
Identifiers: ClinVar variation 1423677 (VCV001423677.7), dbSNP rs2104970575, ClinGen allele CA348401823.
Genomic context (GRCh38, chr2:127,426,226, plus strand): 5'-ACCAAGTAGATCCGCGGCTCATTGATGGGAAGATGACCAGGCGGGGAGACAGCCCCTGGC[A>G]GGTGGGAGGCGAGGCAGCACCGGCTGCTCACGTGCTGGGTCCGGGATCACTGAGTCCATC-3'
Protein context (NP_000303.1, residues 216-236): KMTRRGDSPW[Gln226Arg]VVLLDSKKKL